The following is an entry in ClinVar:

ClinVar aggregate classification (germline): Likely benign. Review status: criteria provided, single submitter (1 of 4 stars). 2 submissions from 2 submitters: Likely benign (1). 1 of the submissions does not count toward it. Last evaluated 2023-11-01.

Conditions:
THSD1-related disorder. Also called: THSD1-related condition.

Allele frequency attached by ClinVar (database versions not stated): 1000 Genomes Project 0.00160; 1000 Genomes Project 30x 0.00172.
gnomAD v4.1: 250 of 1,614,180 alleles (0.015%); highest among the groups gnomAD compares: African/African-American, 0.27%; 1 homozygote.

Submissions (2):

CeGaT Center for Human Genetics Tuebingen
Classification: Likely benign. Last evaluated: 2023-11-01. Review status: criteria provided, single submitter. Criteria: CeGaT Center For Human Genetics Tuebingen Variant Classification Criteria Version 2. Collection method: clinical testing. Allele origin: germline. Affected: yes. Observed: 1 variant allele.
Comment: THSD1: BP4, BP7

PreventionGenetics, part of Exact Sciences
Classification: Likely benign for THSD1-related condition. Last evaluated: 2019-05-03. Review status: no assertion criteria provided. Collection method: clinical testing. Allele origin: germline. Not counted in ClinVar's aggregate classification.
Comment: This variant is classified as likely benign based on ACMG/AMP sequence variant interpretation guidelines (Richards et al. 2015 PMID: 25741868, with internal and published modifications).

NM_018676.4(THSD1):c.1788G>A (p.Ala596=)

Gene: THSD1 (thrombospondin type 1 domain containing 1; minus strand). Cytogenetic location: 13q14.3.
Variant type: single nucleotide variant.
Coding change: c.1788G>A on transcript NM_018676.4 (MANE Select); coding-DNA position 1788, G replaced by A.
Protein change: p.Ala596=; no amino-acid change (alanine 596 retained).
Molecular consequence: synonymous variant.
Genome position (GRCh38, 1-based): chr13:52,378,182, C>T on the plus strand (G>A on the coding strand, the complement: THSD1 is on the minus strand). VCF-style: chr13-52378182-C-T. GRCh37 (hg19) VCF-style: chr13-52952317-C-T.
Other names: c.1629G>A, p.Ala543= (NM_199263.3); c.1788G>A (NM_018676.3).
Identifiers: ClinVar variation 2672546 (VCV002672546.24), dbSNP rs74888104, ClinGen allele CA6991920.